The following is an entry in ClinVar:

NM_014000.3(VCL):c.3258+1G>T

Gene: VCL (vinculin; plus strand). Cytogenetic location: 10q22.2.
Variant type: single nucleotide variant.
Coding change: c.3258+1G>T on transcript NM_014000.3 (MANE Select); the canonical splice donor site of the intron after coding-DNA position 3258, G replaced by T.
Molecular consequence: splice donor variant.
Genome position (GRCh38, 1-based): chr10:74,114,900, G>T. VCF-style: chr10-74114900-G-T. GRCh37 (hg19) VCF-style: chr10-75874658-G-T.
Other names: c.3054+1G>T (NM_003373.4).
Identifiers: ClinVar variation 3253471 (VCV003253471.1), dbSNP rs2549237823.
Genomic context (GRCh38, chr10:74,114,900, plus strand): 5'-TCCACAGTGAAGGCCACCATGCTGGGCCGGACCAACATCAGTGATGAGGAGTCTGAGCAG[G>T]TATGTGGCAGCTGTTTTTGGTTTCTGGCTGGCAGCTTCTGTGCCGTTTTGCAGTAATTTA-3'

ClinVar aggregate classification (germline): Uncertain significance (1 of 4 stars; one submission).

Submission:

GeneDx
Classification: Uncertain significance. Last evaluated: 2023-06-08. Review status: criteria provided, single submitter. Criteria: GeneDx Variant Classification Process June 2021. Collection method: clinical testing. Allele origin: germline. Affected: yes.
Comment: Not observed at significant frequency in large population cohorts (gnomAD); Canonical splice site variant in a gene for which loss of function is not a known mechanism of disease; Has not been previously published as pathogenic or benign to our knowledge